The following is an entry in ClinVar:

NM_139076.3(ABRAXAS1):c.178+1857C>T

Gene: ABRAXAS1 (abraxas 1, BRCA1 A complex subunit; minus strand). Cytogenetic location: 4q21.23.
Variant type: single nucleotide variant.
Coding change: c.178+1857C>T on transcript NM_139076.3 (MANE Select); 1857 bases into the intron after coding-DNA position 178, C replaced by T.
Molecular consequence: intron variant.
Genome position (GRCh38, 1-based): chr4:83,480,297, G>A on the plus strand (C>T on the coding strand, the complement: ABRAXAS1 is on the minus strand). VCF-style: chr4-83480297-G-A. GRCh37 (hg19) VCF-style: chr4-84401450-G-A.
Other names: c.-83+1857C>T (NM_001345962.2).
Identifiers: ClinVar variation 2654857 (VCV002654857.24), dbSNP rs573127226, ClinGen allele CA2990624.

ClinVar aggregate classification (germline): Likely benign (1 of 4 stars; one submission).

Allele frequency attached by ClinVar (database versions not stated): ExAC 0.00082; 1000 Genomes Project 0.00160; 1000 Genomes Project 30x 0.00203; gnomAD exomes 0.00271; TOPMed 0.00282; gnomAD 0.00284.
gnomAD v4.1: 1,010 of 366,786 alleles (0.28%); highest among the groups gnomAD compares: Non-Finnish European, 0.41%; 1 homozygote.

Submission:

CeGaT Center for Human Genetics Tuebingen
Classification: Likely benign. Last evaluated: 2026-06-01. Review status: criteria provided, single submitter. Criteria: CeGaT Center For Human Genetics Tuebingen Variant Classification Criteria Version 2. Collection method: clinical testing. Allele origin: germline. Affected: yes. Observed: 26 variant alleles.
Comment: ABRAXAS1: BP4, BP7